The following is an entry in ClinVar:

NM_006005.3(WFS1):c.2498T>A (p.Leu833Gln)

Gene: WFS1 (wolframin ER transmembrane glycoprotein; plus strand). Cytogenetic location: 4p16.1.
Variant type: single nucleotide variant.
Coding change: c.2498T>A on transcript NM_006005.3 (MANE Select); coding-DNA position 2498, T replaced by A.
Protein change: p.Leu833Gln; replaces leucine 833 with glutamine.
Molecular consequence: missense variant.
Genome position (GRCh38, 1-based): chr4:6,302,293, T>A. VCF-style: chr4-6302293-T-A. GRCh37 (hg19) VCF-style: chr4-6304020-T-A.
Other names: c.2498T>A, p.Leu833Gln (NM_001145853.1); short protein forms L833Q.
Identifiers: ClinVar variation 1064886 (VCV001064886.4), dbSNP rs1386290018, ClinGen allele CA356178737.

ClinVar aggregate classification (germline): Uncertain significance. Review status: criteria provided, multiple submitters, no conflicts (2 of 4 stars). 2 submissions from 2 submitters: Uncertain significance (2). Last evaluated 2026-03-27.

Conditions:
Autosomal dominant nonsyndromic hearing loss 6 (LFSNHL). Also called: DIDMOAD (Diabetes Insipidus, Diabetes Mellitus, Optic Atrophy, and Deafness); DEAFNESS, AUTOSOMAL DOMINANT 14; DEAFNESS, AUTOSOMAL DOMINANT 38; Autosomal dominant nonsyndromic deafness 6; DEAFNESS, AUTOSOMAL DOMINANT 6. Identifiers: Orphanet 90635, MedGen C1833021, MONDO:0010963, OMIM 600965.
Hearing impairment. Also called: Impaired Hearing. Identifiers: MedGen C1384666, MONDO:0005365, HP:0000365.

Submissions (2):

Institute of Medical Genetics and Applied Genomics, University Hospital Tübingen
Classification: Uncertain significance for Autosomal dominant nonsyndromic hearing loss 6. Last evaluated: 2026-03-27. Review status: criteria provided, single submitter. Criteria: ACMG Guidelines, 2015. Collection method: clinical testing. Allele origin: germline. Inheritance: Autosomal dominant inheritance. Affected: yes.

Department of Otolaryngology – Head & Neck Surgery, Cochlear Implant Center
Classification: Uncertain significance for Hearing impairment. Last evaluated: 2021-04-12. Review status: criteria provided, single submitter. Criteria: ClinGen HL ACMG Specifications v1. Collection method: clinical testing. Allele origin: germline. Affected: yes.
Comment: PM2_Moderate, PP3_Supporting